The following is an entry in ClinVar:

NM_001242896.3(DEPDC5):c.692T>C (p.Val231Ala)

Gene: DEPDC5 (DEP domain containing 5, GATOR1 subcomplex subunit; plus strand). Cytogenetic location: 22q12.2.
Variant type: single nucleotide variant.
Coding change: c.692T>C on transcript NM_001242896.3 (MANE Select); coding-DNA position 692, T replaced by C.
Protein change: p.Val231Ala; replaces valine 231 with alanine.
Molecular consequence: missense variant. On other transcripts: non-coding transcript variant (5).
Genome position (GRCh38, 1-based): chr22:31,792,100, T>C. VCF-style: chr22-31792100-T-C. GRCh37 (hg19) VCF-style: chr22-32188086-T-C.
Other names: c.692T>C, p.Val231Ala (NM_001007188.4, NM_001136029.4, NM_001242897.2 and 7 more transcripts); c.608T>C, p.Val203Ala (NM_001369901.1, NM_001369902.1); short protein forms V203A, V231A.
Identifiers: ClinVar variation 1360741 (VCV001360741.8), dbSNP rs2148505288, ClinGen allele CA411288597.

ClinVar aggregate classification (germline): Uncertain significance (1 of 4 stars; one submission).

Conditions:
Familial focal epilepsy with variable foci (FPEVF). Identifiers: Orphanet 98820, MedGen C1858477, MONDO:0020310.

gnomAD v4.1: 3 of 1,606,268 alleles (0.00019%); highest among the groups gnomAD compares: Non-Finnish European, 0.00026%; no homozygotes.

Submission:

Labcorp Genetics (formerly Invitae), Labcorp
Classification: Uncertain significance for Familial focal epilepsy with variable foci. Last evaluated: 2021-06-13. Review status: criteria provided, single submitter. Criteria: Invitae Variant Classification Sherloc (09022015). Collection method: clinical testing. Allele origin: germline.
Comment: This sequence change replaces valine with alanine at codon 231 of the DEPDC5 protein (p.Val231Ala). The valine residue is weakly conserved and there is a small physicochemical difference between valine and alanine. In summary, the available evidence is currently insufficient to determine the role of this variant in disease. Therefore, it has been classified as a Variant of Uncertain Significance. Algorithms developed to predict the effect of missense changes on protein structure and function output the following: SIFT: "Deleterious"; PolyPhen-2: "Not Available"; Align-GVGD: "Class C0". The alanine amino acid residue is found in multiple mammalian species, suggesting that this missense change does not adversely affect protein function. These predictions have not been confirmed by published functional studies and their clinical significance is uncertain. This variant has not been reported in the literature in individuals with DEPDC5-related conditions. This variant is not present in population databases (ExAC no frequency).